The following is an entry in ClinVar:

ClinVar aggregate classification (germline): Likely pathogenic (1 of 4 stars; one submission).

Conditions:
Dyskeratosis congenita, autosomal recessive 5 (DKCB5). Identifiers: MedGen C3554656, MONDO:0014076, OMIM 615190.
Pulmonary fibrosis and/or bone marrow failure, Telomere-related, 3. Also called: PULMONARY FIBROSIS AND/OR BONE MARROW FAILURE SYNDROME, TELOMERE-RELATED, 3. Identifiers: Orphanet 2032, MedGen C4225346, MONDO:0014613, OMIM 616373.

Submission:

Labcorp Genetics (formerly Invitae), Labcorp
Classification: Likely pathogenic for Dyskeratosis congenita, autosomal recessive 5; Pulmonary fibrosis and/or bone marrow failure, Telomere-related, 3. Last evaluated: 2018-11-19. Review status: criteria provided, single submitter. Criteria: Invitae Variant Classification Sherloc (09022015). Collection method: clinical testing. Allele origin: germline.
Comment: In summary, the currently available evidence indicates that the variant is pathogenic, but additional data are needed to prove that conclusively. Therefore, this variant has been classified as Likely Pathogenic. This sequence change affects an acceptor splice site in intron 18 of the RTEL1 gene. It is expected to disrupt RNA splicing and likely results in an absent or disrupted protein product. This variant is not present in population databases (ExAC no frequency). This variant has not been reported in the literature in individuals with RTEL1-related disease. Donor and acceptor splice site variants typically lead to a loss of protein function (PMID: 16199547), and loss-of-function variants in RTEL1 are known to be pathogenic (PMID: 23453664, 23959892, 25607374).

Literature cited by the submitters: PubMed 16199547; PubMed 23453664; PubMed 23959892; PubMed 25607374.

NM_001283009.2(RTEL1):c.1596-1_1596delinsAA

Genes: RTEL1 (regulator of telomere elongation helicase 1; plus strand), RTEL1-TNFRSF6B (RTEL1-TNFRSF6B readthrough (NMD candidate); plus strand). Cytogenetic location: 20q13.33.
Variant type: Indel.
Coding change: c.1596-1_1596delinsAA on transcript NM_001283009.2 (MANE Select); the canonical splice acceptor site of the intron before coding-DNA position 1596 through coding-DNA position 1596, GG replaced by AA.
Molecular consequence: splice acceptor variant.
Genome position (GRCh38, 1-based): chr20:63,688,138-63,688,139, GG replaced by AA. VCF-style: chr20-63688138-GG-AA. GRCh37 (hg19) VCF-style: chr20-62319491-GG-AA.
Other names: c.927-1_927delinsAA (NM_001283010.1); c.1668-1_1668delinsAA (NM_032957.5); c.1596-1_1596delinsAA (NM_016434.4); c.1668-1_1668delGGinsAA (NM_032957.4).
Identifiers: ClinVar variation 639828 (VCV000639828.7), dbSNP rs1601163764, ClinGen allele CA915952584.